The following is an entry in ClinVar:

ClinVar aggregate classification (germline): Likely benign. Review status: criteria provided, multiple submitters, no conflicts (2 of 4 stars). 2 submissions from 2 submitters: Likely benign (2). Last evaluated 2024-07-27.

Conditions:
Inborn genetic diseases. Identifiers: MedGen C0950123, MeSH D030342.

Allele frequency attached by ClinVar (database versions not stated): gnomAD 0.00012; TOPMed 0.00012; 1000 Genomes Project 0.00020; gnomAD exomes 0.00022; ExAC 0.00040; 1000 Genomes Project 30x 0.00047; ESP Exome Variant Server 0.00066.
gnomAD v4.1: 308 of 1,527,574 alleles (0.02%); highest among the groups gnomAD compares: Non-Finnish European, 0.026%; no homozygotes.

Submissions (2):

Ambry Genetics
Classification: Likely benign for Inborn genetic diseases. Last evaluated: 2024-07-27. Review status: criteria provided, single submitter. Criteria: Ambry Variant Classification Scheme 2023. Collection method: clinical testing. Allele origin: germline.

CeGaT Center for Human Genetics Tuebingen
Classification: Likely benign. Last evaluated: 2024-01-01. Review status: criteria provided, single submitter. Criteria: CeGaT Center For Human Genetics Tuebingen Variant Classification Criteria Version 2. Collection method: clinical testing. Allele origin: germline. Affected: yes. Observed: 2 variant alleles.
Comment: SETD1B: PP2, BS2

NM_001353345.2(SETD1B):c.2999G>A (p.Arg1000Gln)

Gene: SETD1B (SET domain containing 1B, histone lysine methyltransferase; plus strand). Cytogenetic location: 12q24.31.
Variant type: single nucleotide variant.
Coding change: c.2999G>A on transcript NM_001353345.2 (MANE Select); coding-DNA position 2999, G replaced by A.
Protein change: p.Arg1000Gln; replaces arginine 1000 with glutamine.
Molecular consequence: missense variant.
Genome position (GRCh38, 1-based): chr12:121,817,391, G>A. VCF-style: chr12-121817391-G-A. GRCh37 (hg19) VCF-style: chr12-122255297-G-A.
Other names: NM_015048.1:c.2999G>A; short protein forms R1000Q.
Identifiers: ClinVar variation 2643457 (VCV002643457.25), dbSNP rs374547458, ClinGen allele CA6839001.